The following is an entry in ClinVar:

NM_002340.6(LSS):c.302C>T (p.Pro101Leu)

Gene: LSS (lanosterol synthase; minus strand). Cytogenetic location: 21q22.3.
Variant type: single nucleotide variant.
Coding change: c.302C>T on transcript NM_002340.6 (MANE Select); coding-DNA position 302, C replaced by T.
Protein change: p.Pro101Leu; replaces proline 101 with leucine.
Molecular consequence: missense variant.
Genome position (GRCh38, 1-based): chr21:46,227,569, G>A on the plus strand (C>T on the coding strand, the complement: LSS is on the minus strand). VCF-style: chr21-46227569-G-A. GRCh37 (hg19) VCF-style: chr21-47647483-G-A.
Other names: c.302C>T, p.Pro101Leu (NM_001001438.3, NM_001145436.2); c.62C>T, p.Pro21Leu (NM_001145437.2); short protein forms P101L, P21L.
Identifiers: ClinVar variation 3602815 (VCV003602815.2).
Genomic context (GRCh38, chr21:46,227,569, plus strand): 5'-TCCAGGGTGGCCATACCATCAGGCTGGGGCAGCATACTCCTACCTGGCAGGAGGAAAAGT[G>A]GGCCACCATAATCACCCGTCCAGTGCCCATCCTCAGCCTGCAGCCCCACGTAAAATGTCA-3'
Protein context (NP_002331.3, residues 91-111): DGHWTGDYGG[Pro101Leu]LFLLPGLLIT

ClinVar aggregate classification (germline): Uncertain significance (1 of 4 stars; one submission).

gnomAD v4.1: 20 of 1,613,848 alleles (0.0012%); highest among the groups gnomAD compares: Non-Finnish European, 0.0015%; no homozygotes.

Submission:

GeneDx
Classification: Uncertain significance. Last evaluated: 2026-08-27. Review status: criteria provided, single submitter. Criteria: GeneDx Variant Classification Process June 2021. Collection method: clinical testing. Allele origin: germline.
Comment: Not observed at significant frequency in large population cohorts (gnomAD); In silico analysis supports that this missense variant has a deleterious effect on protein structure/function; Has not been previously published as pathogenic or benign to our knowledge